The following is an entry in ClinVar:

ClinVar aggregate classification (germline): Benign (1 of 4 stars; one submission).

Allele frequency attached by ClinVar (database versions not stated): gnomAD 0.05218 and 0.05359; 1000 Genomes Project 0.05371; 1000 Genomes Project 30x 0.05481; TOPMed 0.05531.
gnomAD v4.1: 7,897 of 152,046 alleles (5.2%); highest among the groups gnomAD compares: African/African-American, 12%; 343 homozygotes.

Submission:

GeneDx
Classification: Benign. Last evaluated: 2018-06-14. Review status: criteria provided, single submitter. Criteria: GeneDx Variant Classification (06012015). Collection method: clinical testing. Allele origin: germline. Affected: yes.
Comment: This variant is considered likely benign or benign based on one or more of the following criteria: it is a conservative change, it occurs at a poorly conserved position in the protein, it is predicted to be benign by multiple in silico algorithms, and/or has population frequency not consistent with disease.

NM_032340.4(UQCC2):c.283+183C>T

Gene: UQCC2 (ubiquinol-cytochrome c reductase complex assembly factor 2; minus strand). Cytogenetic location: 6p21.31.
Variant type: single nucleotide variant.
Coding change: c.283+183C>T on transcript NM_032340.4 (MANE Select); 183 bases into the intron after coding-DNA position 283, C replaced by T.
Molecular consequence: intron variant.
Genome position (GRCh38, 1-based): chr6:33,700,261, G>A on the plus strand (C>T on the coding strand, the complement: UQCC2 is on the minus strand). VCF-style: chr6-33700261-G-A. GRCh37 (hg19) VCF-style: chr6-33668038-G-A.
Identifiers: ClinVar variation 684316 (VCV000684316.1), dbSNP rs74330951, ClinGen allele CA137167667.